The following is an entry in ClinVar:

NM_006073.4(TRDN):c.116A>T (p.Asp39Val)

Gene: TRDN (triadin; minus strand). Cytogenetic location: 6q22.31.
Variant type: single nucleotide variant.
Coding change: c.116A>T on transcript NM_006073.4 (MANE Select); coding-DNA position 116, A replaced by T.
Protein change: p.Asp39Val; replaces aspartic acid 39 with valine.
Molecular consequence: missense variant.
Genome position (GRCh38, 1-based): chr6:123,571,039, T>A on the plus strand (A>T on the coding strand, the complement: TRDN is on the minus strand). VCF-style: chr6-123571039-T-A. GRCh37 (hg19) VCF-style: chr6-123892184-T-A.
Other names: c.116A>T, p.Asp39Val (NM_001251987.2, NM_001256020.2, NM_001256021.2 and 2 more transcripts); short protein forms D39V.
Identifiers: ClinVar variation 1739096 (VCV001739096.2), dbSNP rs763164617, ClinGen allele CA3984472.
Genomic context (GRCh38, chr6:123,571,039, plus strand): 5'-GTGATTATCAGGGCAATGACCAGAAGCCAGGCTGCAGGGGAGCTGAACGTCGTCACTATG[T>A]CTTCTGTGACTGTCCTCTTCAGCACTTTTCCGGGGGATTTGGGCACAGATCCATTTTTGC-3'
Protein context (NP_006064.2, residues 29-49): GKVLKRTVTE[Asp39Val]IVTTFSSPAA

ClinVar aggregate classification (germline): Uncertain significance (1 of 4 stars; one submission).

Conditions:
Cardiovascular phenotype. Identifiers: MedGen CN230736.

Allele frequency attached by ClinVar (database versions not stated): ExAC 0.00001; gnomAD 0.00002; TOPMed 0.00002.
gnomAD v4.1: 3 of 1,613,866 alleles (0.00019%); highest among the groups gnomAD compares: African/African-American, 0.004%; no homozygotes.

Submission:

Ambry Genetics
Classification: Uncertain significance for Cardiovascular phenotype. Last evaluated: 2021-06-21. Review status: criteria provided, single submitter. Criteria: Ambry Variant Classification Scheme 2023. Collection method: clinical testing. Allele origin: germline.
Comment: The p.D39V variant (also known as c.116A>T), located in coding exon 2 of the TRDN gene, results from an A to T substitution at nucleotide position 116. The aspartic acid at codon 39 is replaced by valine, an amino acid with highly dissimilar properties. This amino acid position is well conserved in available vertebrate species. In addition, this alteration is predicted to be deleterious by in silico analysis. Since supporting evidence is limited at this time, the clinical significance of this alteration remains unclear.